The following is an entry in ClinVar:

NM_001844.5(COL2A1):c.2188C>T (p.Pro730Ser)

Gene: COL2A1 (collagen type II alpha 1 chain; minus strand). Cytogenetic location: 12q13.11.
Variant type: single nucleotide variant.
Coding change: c.2188C>T on transcript NM_001844.5 (MANE Select); coding-DNA position 2188, C replaced by T.
Protein change: p.Pro730Ser; replaces proline 730 with serine.
Molecular consequence: missense variant.
Genome position (GRCh38, 1-based): chr12:47,982,853, G>A on the plus strand (C>T on the coding strand, the complement: COL2A1 is on the minus strand). VCF-style: chr12-47982853-G-A. GRCh37 (hg19) VCF-style: chr12-48376636-G-A.
Other names: c.1981C>T, p.Pro661Ser (NM_033150.3); short protein forms P661S, P730S.
Identifiers: ClinVar variation 1367316 (VCV001367316.8), dbSNP rs2136550915, ClinGen allele CA384546849.

ClinVar aggregate classification (germline): Uncertain significance (1 of 4 stars; one submission).

Submission:

Labcorp Genetics (formerly Invitae), Labcorp
Classification: Uncertain significance. Last evaluated: 2023-08-04. Review status: criteria provided, single submitter. Criteria: Invitae Variant Classification Sherloc (09022015). Collection method: clinical testing. Allele origin: germline.
Comment: This sequence change replaces proline, which is neutral and non-polar, with serine, which is neutral and polar, at codon 730 of the COL2A1 protein (p.Pro730Ser). This variant is not present in population databases (gnomAD no frequency). This variant has not been reported in the literature in individuals affected with COL2A1-related conditions. ClinVar contains an entry for this variant (Variation ID: 1367316). Advanced modeling of protein sequence and biophysical properties (such as structural, functional, and spatial information, amino acid conservation, physicochemical variation, residue mobility, and thermodynamic stability) performed at Invitae indicates that this missense variant is not expected to disrupt COL2A1 protein function. In summary, the available evidence is currently insufficient to determine the role of this variant in disease. Therefore, it has been classified as a Variant of Uncertain Significance.